The following is an entry in ClinVar:

NM_000138.5(FBN1):c.5700T>G (p.Cys1900Trp)

Gene: FBN1 (fibrillin 1; minus strand). Cytogenetic location: 15q21.1.
Variant type: single nucleotide variant.
Coding change: c.5700T>G on transcript NM_000138.5 (MANE Select); coding-DNA position 5700, T replaced by G.
Protein change: p.Cys1900Trp; replaces cysteine 1900 with tryptophan.
Molecular consequence: missense variant.
Genome position (GRCh38, 1-based): chr15:48,446,794, A>C on the plus strand (T>G on the coding strand, the complement: FBN1 is on the minus strand). VCF-style: chr15-48446794-A-C. GRCh37 (hg19) VCF-style: chr15-48738991-A-C.
Other names: c.5700T>G, p.Cys1900Trp (NM_001406716.1); short protein forms C1900W.
Identifiers: ClinVar variation 1749177 (VCV001749177.2), dbSNP rs794728236, ClinGen allele CA392341360.
Genomic context (GRCh38, chr15:48,446,794, plus strand): 5'-GAAACCATGATTGCAGCGGCAGTTGAAGGAACCAATTGTGTTCCGGCAAGTTCCATTCCC[A>C]CAGGCATCTCTTTCACATTCATTTATGTCTAGTAGGAAGAAAGGCCATAAAGAAACATAA-3'
Protein context (NP_000129.3, residues 1890-1910): LDINECERDA[Cys1900Trp]GNGTCRNTIG

ClinVar aggregate classification (germline): Likely pathogenic (1 of 4 stars; one submission).

Conditions:
Familial thoracic aortic aneurysm and aortic dissection (TAAD). Also called: Thoracic aortic aneurysms and dissections. Identifiers: Orphanet 91387, MedGen C4707243, MONDO:0019625.

Submission:

Ambry Genetics
Classification: Likely pathogenic for Familial thoracic aortic aneurysm and aortic dissection. Last evaluated: 2018-05-21. Review status: criteria provided, single submitter. Criteria: Ambry Variant Classification Scheme 2023. Collection method: clinical testing. Allele origin: germline.
Comment: The p.C1900W variant (also known as c.5700T>G), located in coding exon 46 of the FBN1 gene, results from a T to G substitution at nucleotide position 5700. The cysteine at codon 1900 is replaced by tryptophan, an amino acid with highly dissimilar properties, and is located in the cbEGF-like #28 domain. Alterations affecting the same amino acid, p.C1900F, p.C1900S, p.C1900Y, have been reported in association with Marfan syndrome (Arbustini E et al. Hum. Mutat., 2005 Nov;26:494; Stheneur C et al. Eur. J. Hum. Genet., 2009 Sep;17:1121-8; Hung CC et al. Ann. Hum. Genet., 2009 Nov;73:559-67). This amino acid position is highly conserved in available vertebrate species. In addition, this alteration is predicted to be deleterious by in silico analysis. The majority of FBN1 mutations identified to date have involved the substitution or generation of cysteine residues within cbEGF domains (Vollbrandt T et al. J Biol Chem. 2004;279(31):32924-32931). Based on the majority of available evidence to date, this variant is likely to be pathogenic.

Literature cited by the submitters: PubMed 16222657; PubMed 19293843; PubMed 19839986.